The following is an entry in ClinVar:

ClinVar aggregate classification (germline): Benign (1 of 4 stars; one submission).

Conditions:
Autosomal dominant pseudohypoaldosteronism type 1. Also called: Pseudohypoaldosteronism, Type I, Autosomal Dominant; PHA I, AUTOSOMAL DOMINANT; Pseudohypoaldosteronism, Type I, Dominant. Identifiers: Orphanet 171871, Orphanet 756, MedGen C1449842, MONDO:0008329, OMIM 177735.

Allele frequency attached by ClinVar (database versions not stated): TOPMed 0.00018; 1000 Genomes Project 30x 0.00109; 1000 Genomes Project 0.00180; gnomAD 0.00200 and 0.00210.

Submission:

Illumina Laboratory Services, Illumina
Classification: Benign for Autosomal dominant pseudohypoaldosteronism type 1. Last evaluated: 2018-01-13. Review status: criteria provided, single submitter. Criteria: ICSL Variant Classification Criteria 13 December 2019. Collection method: clinical testing. Allele origin: germline.
Comment: This variant was observed in the ICSL laboratory as part of a predisposition screen in an ostensibly healthy population. It had not been previously curated by ICSL or reported in the Human Gene Mutation Database (HGMD: prior to June 1st, 2018), and was therefore a candidate for classification through an automated scoring system. Utilizing variant allele frequency, disease prevalence and penetrance estimates, and inheritance mode, an automated score was calculated to assess if this variant is too frequent to cause the disease. Based on the score and internal cut-off values, a variant classified as benign is not then subjected to further curation. The score for this variant resulted in a classification of benign for this disease.

NM_000901.5(NR3C2):c.*2065A>C

Gene: NR3C2 (nuclear receptor subfamily 3 group C member 2; minus strand). Cytogenetic location: 4q31.23.
Variant type: single nucleotide variant.
Coding change: c.*2065A>C on transcript NM_000901.5 (MANE Select); 2065 bases downstream of the stop codon, A replaced by C.
Molecular consequence: 3 prime UTR variant. On other transcripts: non-coding transcript variant (1).
Genome position (GRCh38, 1-based): chr4:148,079,279, T>G on the plus strand (A>C on the coding strand, the complement: NR3C2 is on the minus strand). VCF-style: chr4-148079279-T-G. GRCh37 (hg19) VCF-style: chr4-149000430-T-G.
Other names: c.*2065A>C (NM_001166104.2, NM_001354819.1).
Identifiers: ClinVar variation 347680 (VCV000347680.5), dbSNP rs72647600, ClinGen allele CA10618014.